The following is an entry in ClinVar:

ClinVar aggregate classification (germline): Benign. Review status: criteria provided, multiple submitters, no conflicts (2 of 4 stars). 11 submissions from 9 submitters: Benign (9). 2 of the submissions do not count toward it. Last evaluated 2022-03-24.

Conditions:
Myopathy, congenital, with tremor. Also called: CONGENITAL MYOPATHY 16; myogenic tremor. Identifiers: MedGen C5231401, MONDO:0032797, OMIM 618524.
Lethal congenital contracture syndrome 4 (LCCS4). Identifiers: MedGen C3554046, MONDO:0013965, OMIM 614915.
Arthrogryposis, distal, type 1B. Identifiers: Orphanet 1146, MedGen C3280526, MONDO:0013698, OMIM 614335.

Allele frequency attached by ClinVar (database versions not stated): TOPMed 0.18855; gnomAD exomes 0.26526 and 0.22308; gnomAD 0.20383 and 0.20476; ESP Exome Variant Server 0.21459; ExAC 0.22168; 1000 Genomes Project 30x 0.14163; 1000 Genomes Project 0.14357.
gnomAD v4.1: 418,315 of 1,613,562 alleles (26%); highest among the groups gnomAD compares: Middle Eastern, 32%; 57,662 homozygotes.

Submissions (11):

Mayo Clinic Laboratories, Mayo Clinic
Classification: Benign. Last evaluated: 2022-03-24. Review status: criteria provided, single submitter. Criteria: ACMG Guidelines, 2015. Collection method: clinical testing. Allele origin: germline. Observed: 123 variant alleles.

Genome-Nilou Lab
Classification: Benign for Arthrogryposis, distal, type 1B. Last evaluated: 2021-09-05. Review status: criteria provided, single submitter. Criteria: ACMG Guidelines, 2015. Collection method: clinical testing. Allele origin: germline. Affected: no.

Genome-Nilou Lab
Classification: Benign for Lethal congenital contracture syndrome 4. Last evaluated: 2021-09-05. Review status: criteria provided, single submitter. Criteria: ACMG Guidelines, 2015. Collection method: clinical testing. Allele origin: germline. Affected: no.

Genome-Nilou Lab
Classification: Benign for Myopathy, congenital, with tremor. Last evaluated: 2021-09-05. Review status: criteria provided, single submitter. Criteria: ACMG Guidelines, 2015. Collection method: clinical testing. Allele origin: germline. Affected: no.

GeneDx
Classification: Benign. Last evaluated: 2018-11-12. Review status: criteria provided, single submitter. Criteria: GeneDx Variant Classification Process June 2021. Collection method: clinical testing. Allele origin: germline. Affected: yes.

Illumina Laboratory Services, Illumina
Classification: Benign for Arthrogryposis, distal, type 1B. Last evaluated: 2018-01-13. Review status: criteria provided, single submitter. Criteria: ICSL Variant Classification Criteria 13 December 2019. Collection method: clinical testing. Allele origin: germline.
Comment: This variant was observed in the ICSL laboratory as part of a predisposition screen in an ostensibly healthy population. It had not been previously curated by ICSL or reported in the Human Gene Mutation Database (HGMD: prior to June 1st, 2018), and was therefore a candidate for classification through an automated scoring system. Utilizing variant allele frequency, disease prevalence and penetrance estimates, and inheritance mode, an automated score was calculated to assess if this variant is too frequent to cause the disease. Based on the score and internal cut-off values, a variant classified as benign is not then subjected to further curation. The score for this variant resulted in a classification of benign for this disease.

Genetic Services Laboratory, University of Chicago
Classification: Benign for AllHighlyPenetrant. Last evaluated: 2013-08-15. Review status: criteria provided, single submitter. Criteria: ACMG Guidelines, 2007. Collection method: clinical testing. Allele origin: germline. Inheritance: Autosomal recessive inheritance.

Breakthrough Genomics
Classification: Benign. Review status: criteria provided, single submitter. Criteria: ACMG Guidelines, 2015. Collection method: not provided. Allele origin: germline. Inheritance: Autosomal recessive inheritance. Affected: yes.

PreventionGenetics, part of Exact Sciences
Classification: Benign. Review status: criteria provided, single submitter. Criteria: ACMG Guidelines, 2015. Collection method: clinical testing. Allele origin: germline.

Clinical Genetics, Academic Medical Center
Classification: Benign. Review status: no assertion criteria provided. Collection method: clinical testing. Allele origin: germline. Affected: yes. Study: VKGL Data-share Consensus. Not counted in ClinVar's aggregate classification.

Joint Genome Diagnostic Labs from Nijmegen and Maastricht, Radboudumc and MUMC+
Classification: Benign. Review status: no assertion criteria provided. Collection method: clinical testing. Allele origin: germline. Affected: yes. Study: VKGL Data-share Consensus. Not counted in ClinVar's aggregate classification.

NM_002465.4(MYBPC1):c.2817A>G (p.Pro939=)

Gene: MYBPC1 (myosin binding protein C1; plus strand). Cytogenetic location: 12q23.2.
Variant type: single nucleotide variant.
Coding change: c.2817A>G on transcript NM_002465.4 (MANE Select); coding-DNA position 2817, A replaced by G.
Protein change: p.Pro939=; no amino-acid change (proline 939 retained).
Molecular consequence: synonymous variant.
Genome position (GRCh38, 1-based): chr12:101,675,299, A>G. VCF-style: chr12-101675299-A-G. GRCh37 (hg19) VCF-style: chr12-102069077-A-G.
Other names: p.Pro939=; c.2796A>G, p.Pro932= (NM_001254718.3, NM_206820.4); c.2742A>G, p.Pro914= (NM_001254719.3, NM_206821.4); c.2706A>G, p.Pro902= (NM_001254720.3); c.2685A>G, p.Pro895= (NM_001254721.3, NM_001404676.1, NM_001404678.1); c.2664A>G, p.Pro888= (NM_001254722.3, NM_001404680.1); c.2703A>G, p.Pro901= (NM_001254723.3); c.2817A>G, p.Pro939= (NM_001404675.1, NM_206819.4); and 1 more.
Identifiers: ClinVar variation 129645 (VCV000129645.21), dbSNP rs764291, ClinGen allele CA153768.
Genomic context (GRCh38, chr12:101,675,299, plus strand): 5'-GTAGACTGGGAAAGAAAGTGACCTTGCAGTGACACCATGAATTCATCCTGTAGACCGTCC[A>G]GGTCCACCCCAAATTGTGAAGATTGAGGATGTCTGGGGAGAAAATGTCGCTCTCACATGG-3'
Protein context (NP_002456.2, residues 929-949): ASIDIQIIDR[Pro939=]GPPQIVKIED